The following is an entry in ClinVar:

NM_001032283.3(TMPO):c.565+2487C>T

Gene: TMPO (thymopoietin; plus strand). Cytogenetic location: 12q23.1.
Variant type: single nucleotide variant.
Coding change: c.565+2487C>T on transcript NM_001032283.3 (MANE Select); 2487 bases into the intron after coding-DNA position 565, C replaced by T.
Molecular consequence: intron variant. On other transcripts: missense variant (1).
Genome position (GRCh38, 1-based): chr12:98,534,325, C>T. VCF-style: chr12-98534325-C-T. GRCh37 (hg19) VCF-style: chr12-98928103-C-T.
Other names: c.2068C>T, p.Arg690Cys (NM_003276.2); c.565+2487C>T (NM_001307975.2, NM_001032284.3); short protein forms R690C.
Identifiers: ClinVar variation 12707 (VCV000012707.34), dbSNP rs17028450, ClinGen allele CA134820.

ClinVar aggregate classification (germline): Conflicting classifications of pathogenicity. Review status: criteria provided, conflicting classifications (1 of 4 stars). 11 submissions from 11 submitters: Uncertain significance (1); Benign (7); Likely benign (1). 2 of the submissions do not count toward it. Last evaluated 2026-02-03.

Conditions:
TMPO-related disorder. Also called: TMPO-related condition.
Dilated cardiomyopathy 1T. Identifiers: Orphanet 154, MedGen C3151039.
Loeys-Dietz syndrome 2 (LDS2). Also called: AORTIC ANEURYSM, FAMILIAL THORACIC 3; MARFAN SYNDROME, TYPE II; TGFBR2-Related Loeys-Dietz Syndrome; Marfan Syndrome type 2; Marfan like connective tissue disorder; MFS 2. Identifiers: Orphanet 284973, Orphanet 558, MedGen C2674574, MONDO:0012427, OMIM 610168.
Primary dilated cardiomyopathy (DCM). Also called: Dilated Cardiomyopathy. Identifiers: Orphanet 217604, MedGen C0007193, MeSH D002311, MONDO:0005021, HP:0001644. Inheritance: Various modes of inheritance.
Hypertrophic cardiomyopathy 25 (CMH25). Also called: CARDIOMYOPATHY, FAMILIAL HYPERTROPHIC, 25. Identifiers: MedGen C4225408, MONDO:0011843, OMIM 607487.

Allele frequency attached by ClinVar (database versions not stated): ExAC 0.01508; 1000 Genomes Project 0.01138; TOPMed 0.01156; gnomAD exomes 0.01875 and 0.00424; gnomAD 0.00576 and 0.00596; 1000 Genomes Project 30x 0.01249.

Submissions (11):

Labcorp Genetics (formerly Invitae), Labcorp
Classification: Benign for Loeys-Dietz syndrome 2. Last evaluated: 2026-02-03. Review status: criteria provided, single submitter. Criteria: Invitae Variant Classification Sherloc (09022015). Collection method: clinical testing. Allele origin: germline.

ARUP Laboratories, Molecular Genetics and Genomics, ARUP Laboratories
Classification: Benign. Last evaluated: 2023-11-22. Review status: criteria provided, single submitter. Criteria: ARUP Molecular Germline Variant Investigation Process 2024. Collection method: clinical testing. Allele origin: germline.

GeneDx
Classification: Benign. Last evaluated: 2017-02-20. Review status: criteria provided, single submitter. Criteria: GeneDx Variant Classification (06012015). Collection method: clinical testing. Allele origin: germline. Affected: yes.
Comment: This variant is considered likely benign or benign based on one or more of the following criteria: it is a conservative change, it occurs at a poorly conserved position in the protein, it is predicted to be benign by multiple in silico algorithms, and/or has population frequency not consistent with disease.

Soonchunhyang University Bucheon Hospital, Soonchunhyang University Medical Center
Classification: Uncertain significance for Dilated cardiomyopathy 1A. Last evaluated: 2016-03-18. Review status: criteria provided, single submitter. Criteria: ACMG Guidelines, 2015. Collection method: reference population. Allele origin: germline. Observed: 4 variant alleles.

Ambry Genetics
Classification: Benign. Last evaluated: 2015-09-18. Review status: criteria provided, single submitter. Criteria: Ambry Variant Classification Scheme 2023. Collection method: clinical testing. Allele origin: germline.

Stanford Center for Inherited Cardiovascular Disease, Stanford University
Classification: Benign. Last evaluated: 2014-09-16. Review status: criteria provided, single submitter. Criteria: ACMG Guidelines, 2015. Collection method: provider interpretation. Allele origin: germline.

Biesecker Lab/Clinical Genomics Section, National Institutes of Health
Classification: Likely benign for Cardiomyopathy, dilated. Last evaluated: 2013-06-24. Review status: criteria provided, single submitter. Criteria: Ng et al. (Circ Cardiovasc Genet. 2013). Collection method: research. Allele origin: unknown. Observed: 1 variant allele. Study: ClinSeq.
Comment: The study set was not selected for affection status in relation to any cancer. Pathogenicity categories were based on literature curation. See Pubmed ID:23861362 for details.

Medical sequencing

Laboratory for Molecular Medicine, Mass General Brigham Personalized Medicine
Classification: Benign. Last evaluated: 2012-10-19. Review status: criteria provided, single submitter. Criteria: LMM Criteria. Collection method: clinical testing. Allele origin: germline. Observed: 14 variant alleles.
Comment: Arg690Cys in exon 4 of TMPO: This variant is not expected to have clinical signi ficance because it has been identified in 11.7% (15/128) of Mexican American chr omosomes from a broad population by the 1000 Genomes project (dbSNP rs17028450). This variant has been previously reported in 2 siblings with DCM (Taylor 2005).

Broad Center for Mendelian Genomics, Broad Institute of MIT and Harvard
Classification: Benign for Hypertrophic cardiomyopathy 25. Review status: criteria provided, single submitter. Criteria: ACMG Guidelines, 2015. Collection method: research. Allele origin: germline. Inheritance: Autosomal dominant inheritance. Affected: yes.
Comment: The heterozygous p.Arg690Cys variant in TCAP has been identified in at least 2 siblings with dilated cardiomyopathy (PMID: 16247757). In vitro functional studies provide some evidence that the p.Arg690Cys variant may slightly impact protein function (PMID: 16247757). However, these types of assays may not accurately represent biological function. This variant is classified as benign for autosomal dominant dilated cardiomyopathy because it has been identified in >14% of Latino chromosomes and 141 total homozygotes by ExAC.

PreventionGenetics, part of Exact Sciences
Classification: Benign for TMPO-related condition. Last evaluated: 2019-07-10. Review status: no assertion criteria provided. Collection method: clinical testing. Allele origin: germline. Not counted in ClinVar's aggregate classification.
Comment: This variant is classified as benign based on ACMG/AMP sequence variant interpretation guidelines (Richards et al. 2015 PMID: 25741868, with internal and published modifications).

OMIM
Classification: Uncertain significance for RECLASSIFIED - VARIANT OF UNKNOWN SIGNIFICANCE. Last evaluated: 2005-12-01. Review status: no assertion criteria provided. Collection method: literature only. Allele origin: germline. Not counted in ClinVar's aggregate classification.

Literature cited by the submitters: PubMed 16247757 (cited by 3 submitters); Hamosh, A. Personal Communication. 2017. Baltimore, Md. (cited by OMIM).